The following is an entry in ClinVar:

ClinVar aggregate classification (germline): Likely benign (1 of 4 stars; one submission).

Conditions:
SEMA3F-related disorder. Also called: SEMA3F-related condition.

Submission:

PreventionGenetics, part of Exact Sciences
Classification: Likely benign for SEMA3F-related condition. Last evaluated: 2026-04-24. Review status: criteria provided, single submitter. Criteria: ACMG Guidelines, 2015. Collection method: clinical testing. Allele origin: germline.
Comment: This variant is classified as likely benign based on ACMG/AMP sequence variant interpretation guidelines (Richards et al. 2015 PMID: 25741868, with internal and published modifications).

NM_004186.5(SEMA3F):c.861G>C (p.Pro287=)

Gene: SEMA3F (semaphorin 3F; plus strand). Cytogenetic location: 3p21.31.
Variant type: single nucleotide variant.
Coding change: c.861G>C on transcript NM_004186.5 (MANE Select); coding-DNA position 861, G replaced by C.
Protein change: p.Pro287=; no amino-acid change (proline 287 retained).
Molecular consequence: synonymous variant.
Genome position (GRCh38, 1-based): chr3:50,182,741, G>C. VCF-style: chr3-50182741-G-C. GRCh37 (hg19) VCF-style: chr3-50220174-G-C.
Other names: c.564G>C, p.Pro188= (NM_001318798.2); c.768G>C, p.Pro256= (NM_001318800.2).
Identifiers: ClinVar variation 4991009 (VCV004991009.1).